The following is an entry in ClinVar:

NC_000022.11:g.40346436C>T

Gene: ADSL (adenylosuccinate lyase; plus strand). Cytogenetic location: 22q13.1.
Variant type: single nucleotide variant.
Genome position: GRCh38 VCF-style: chr22-40346436-C-T. GRCh37 (hg19) VCF-style: chr22-40742440-C-T.
Identifiers: ClinVar variation 2125048 (VCV002125048.2), dbSNP rs930904501, ClinGen allele CA639408329.

ClinVar aggregate classification (germline): Uncertain significance (1 of 4 stars; one submission).

Conditions:
Adenylosuccinate lyase deficiency (ADSLD). Also called: ADSL DEFICIENCY. Identifiers: Orphanet 46, MedGen C0268126, MONDO:0007068, OMIM 103050.

Allele frequency attached by ClinVar (database versions not stated): gnomAD 0.00002; gnomAD exomes 0.00002.

Submission:

Labcorp Genetics (formerly Invitae), Labcorp
Classification: Uncertain significance for Adenylosuccinate lyase deficiency. Last evaluated: 2022-09-17. Review status: criteria provided, single submitter. Criteria: Invitae Variant Classification Sherloc (09022015). Collection method: clinical testing. Allele origin: germline.
Comment: This variant occurs in a non-coding region of the ADSL gene. It does not change the encoded amino acid sequence of the ADSL protein. This variant is present in population databases (no rsID available, gnomAD 0.1%). This variant has not been reported in the literature in individuals affected with ADSL-related conditions. Experimental studies and prediction algorithms are not available or were not evaluated, and the functional significance of this variant is currently unknown. In summary, the available evidence is currently insufficient to determine the role of this variant in disease. Therefore, it has been classified as a Variant of Uncertain Significance.